The following is an entry in ClinVar:

NM_001364905.1(LRBA):c.2503A>G (p.Ser835Gly)

Gene: LRBA (LPS responsive beige-like anchor protein; minus strand). Cytogenetic location: 4q31.3.
Variant type: single nucleotide variant.
Coding change: c.2503A>G on transcript NM_001364905.1 (MANE Select); coding-DNA position 2503, A replaced by G.
Protein change: p.Ser835Gly; replaces serine 835 with glycine.
Molecular consequence: missense variant.
Genome position (GRCh38, 1-based): chr4:150,868,252, T>C on the plus strand (A>G on the coding strand, the complement: LRBA is on the minus strand). VCF-style: chr4-150868252-T-C. GRCh37 (hg19) VCF-style: chr4-151789404-T-C.
Other names: c.2503A>G, p.Ser835Gly (NM_001199282.3, NM_001367550.1, NM_006726.5); short protein forms S835G.
Identifiers: ClinVar variation 1414263 (VCV001414263.6), dbSNP rs144887682, ClinGen allele CA3103220.

ClinVar aggregate classification (germline): Uncertain significance (1 of 4 stars; one submission).

Conditions:
Combined immunodeficiency due to LRBA deficiency. Also called: Common variable immunodeficiency 8, with autoimmunity. Identifiers: Orphanet 445018, MedGen C3553512, MONDO:0013863, OMIM 614700.

Allele frequency attached by ClinVar (database versions not stated): ExAC 0.00001; TOPMed below 0.00001; gnomAD exomes 0.00001; gnomAD 0.00002; 1000 Genomes Project 30x 0.00031; 1000 Genomes Project 0.00040.
gnomAD v4.1: 6 of 1,612,534 alleles (0.00037%); highest among the groups gnomAD compares: East Asian, 0.011%; no homozygotes.

Submission:

Labcorp Genetics (formerly Invitae), Labcorp
Classification: Uncertain significance for Combined immunodeficiency due to LRBA deficiency. Last evaluated: 2024-02-26. Review status: criteria provided, single submitter. Criteria: Invitae Variant Classification Sherloc (09022015). Collection method: clinical testing. Allele origin: germline.
Comment: This sequence change replaces serine, which is neutral and polar, with glycine, which is neutral and non-polar, at codon 835 of the LRBA protein (p.Ser835Gly). This variant is present in population databases (rs144887682, gnomAD 0.01%). This variant has not been reported in the literature in individuals affected with LRBA-related conditions. ClinVar contains an entry for this variant (Variation ID: 1414263). Advanced modeling of protein sequence and biophysical properties (such as structural, functional, and spatial information, amino acid conservation, physicochemical variation, residue mobility, and thermodynamic stability) performed at Invitae indicates that this missense variant is not expected to disrupt LRBA protein function with a negative predictive value of 80%. In summary, the available evidence is currently insufficient to determine the role of this variant in disease. Therefore, it has been classified as a Variant of Uncertain Significance.